The following is an entry in ClinVar:

NM_001458.5(FLNC):c.4069G>A (p.Gly1357Arg)

Gene: FLNC (filamin C; plus strand). Cytogenetic location: 7q32.1.
Variant type: single nucleotide variant.
Coding change: c.4069G>A on transcript NM_001458.5 (MANE Select); coding-DNA position 4069, G replaced by A.
Protein change: p.Gly1357Arg; replaces glycine 1357 with arginine.
Molecular consequence: missense variant.
Genome position (GRCh38, 1-based): chr7:128,846,405, G>A. VCF-style: chr7-128846405-G-A. GRCh37 (hg19) VCF-style: chr7-128486459-G-A.
Other names: c.4069G>A, p.Gly1357Arg (NM_001127487.2); short protein forms G1357R.
Identifiers: ClinVar variation 654428 (VCV000654428.19), dbSNP rs1218299104, ClinGen allele CA369199049.

ClinVar aggregate classification (germline): Conflicting classifications of pathogenicity. Review status: criteria provided, conflicting classifications (1 of 4 stars). 7 submissions from 7 submitters: Likely pathogenic (1); Uncertain significance (6). Last evaluated 2026-09-09.

Conditions:
Myofibrillar myopathy 5. Also called: Filaminopathy (type); FILAMINOPATHY, AUTOSOMAL DOMINANT. Identifiers: Orphanet 171445, MedGen C1836050, MONDO:0012289, OMIM 609524.
Hypertrophic cardiomyopathy 26. Also called: Cardiomyopathy, familial hypertrophic, 26. Identifiers: Orphanet 75249, MedGen C4310749, MONDO:0014883, OMIM 617047.
Distal myopathy with posterior leg and anterior hand involvement. Also called: WILLIAMS DISTAL MYOPATHY. Identifiers: Orphanet 63273, MedGen C3279722, MONDO:0013550, OMIM 614065.
FLNC-related disorder. Also called: FLNC-related disorders; FLNC-related condition.
Cardiovascular phenotype. Identifiers: MedGen CN230736.

Allele frequency attached by ClinVar (database versions not stated): gnomAD exomes below 0.00001 and 0.00001; gnomAD 0.00001; TOPMed 0.00001.
gnomAD v4.1: 20 of 1,609,048 alleles (0.0012%); highest among the groups gnomAD compares: Non-Finnish European, 0.0016%; no homozygotes.

Submissions (7):

PreventionGenetics, part of Exact Sciences
Classification: Uncertain significance for FLNC-related condition. Last evaluated: 2026-09-09. Review status: criteria provided, single submitter. Criteria: ACMG Guidelines, 2015. Collection method: clinical testing. Allele origin: germline.
Comment: The FLNC c.4069G>A variant is predicted to result in the amino acid substitution p.Gly1357Arg. This variant has been reported as uncertain in an individual with dilated cardiomyopathy and heart failure (Baban et al. 2022. PubMed ID: 36286284). This variant was inherited from the individual's father who had mild left ventricular dysfunction and increased thickness of the interventricular septum (supplementary materials, Baban et al. 2022. PubMed ID: 36286284). This variant is reported in 0.0033% of alleles in individuals of South Asian descent in gnomAD. At this time, the clinical significance of this variant is uncertain due to the absence of conclusive functional and genetic evidence.

Labcorp Genetics (formerly Invitae), Labcorp
Classification: Likely pathogenic for Distal myopathy with posterior leg and anterior hand involvement; Myofibrillar myopathy 5; Hypertrophic cardiomyopathy 26. Last evaluated: 2025-11-24. Review status: criteria provided, single submitter. Criteria: Invitae Variant Classification Sherloc (09022015). Collection method: clinical testing. Allele origin: germline.
Comment: This sequence change replaces glycine, which is neutral and non-polar, with arginine, which is basic and polar, at codon 1357 of the FLNC protein (p.Gly1357Arg). This variant is not present in population databases (gnomAD no frequency). This missense change has been observed in individuals with clinical features of dilated cardiomyopathy (PMID: 36286284; internal data). ClinVar contains an entry for this variant (Variation ID: 654428). Invitae Evidence Modeling of protein sequence and biophysical properties (such as structural, functional, and spatial information, amino acid conservation, physicochemical variation, residue mobility, and thermodynamic stability) has been performed for this missense variant. However, the output from this modeling did not meet the statistical confidence thresholds required to predict the impact of this variant on FLNC protein function. In summary, the currently available evidence indicates that the variant is pathogenic, but additional data are needed to prove that conclusively. Therefore, this variant has been classified as Likely Pathogenic.

GeneDx
Classification: Uncertain significance. Last evaluated: 2025-05-25. Review status: criteria provided, single submitter. Criteria: GeneDx Variant Classification Process June 2021. Collection method: clinical testing. Allele origin: germline. Affected: yes.
Comment: In silico analysis supports that this missense variant has a deleterious effect on protein structure/function; Not observed at significant frequency in large population cohorts (gnomAD); This variant is associated with the following publications: (PMID: 36286284)

Ambry Genetics
Classification: Uncertain significance for Cardiovascular phenotype. Last evaluated: 2025-05-16. Review status: criteria provided, single submitter. Criteria: Ambry Variant Classification Scheme 2023. Collection method: clinical testing. Allele origin: germline.
Comment: The p.G1357R variant (also known as c.4069G>A), located in coding exon 23 of the FLNC gene, results from a G to A substitution at nucleotide position 4069. The glycine at codon 1357 is replaced by arginine, an amino acid with dissimilar properties. This variant has been detected in a pediatric proband with dilated cardiomyopathy (DCM), hypertrabeculation, heart failure, and skeletal muscle features. This variant was also detected in the proband's father with cardiac hypertrophy (Baban A et al. J Cardiovasc Dev Dis. 2022 Sep;9(10)). This alteration has been observed in additional individuals with a personal history that is consistent with DCM (Ambry internal data). This amino acid position is highly conserved in available vertebrate species. In addition, this alteration is predicted to be deleterious by in silico analysis. Since supporting evidence is limited at this time, the clinical significance of this alteration remains unclear.

Women's Health and Genetics/Laboratory Corporation of America, LabCorp
Classification: Uncertain significance. Last evaluated: 2025-02-18. Review status: criteria provided, single submitter. Criteria: LabCorp Variant Classification Summary - May 2015. Collection method: clinical testing. Allele origin: germline.
Comment: Variant summary: FLNC c.4069G>A (p.Gly1357Arg) results in a non-conservative amino acid change located in the Filamin/ABP280 repeat profile domain (IPR017868) of the encoded protein sequence. Five of five in-silico tools predict a damaging effect of the variant on protein function. The variant allele was found at a frequency of 4.1e-06 in 245478 control chromosomes. c.4069G>A has been reported in the literature in individuals affected with Dilated Cardiomyopathy or with clinical features of DCM (e.g. Baban_2022, Labcorp (formerly Invitae)). These data indicate that the variant may be associated with disease. To our knowledge, no experimental evidence demonstrating an impact on protein function has been reported. The following publications has been ascertained in the context of this evaluation (PMID: 36286284). ClinVar contains an entry for this variant (Variation ID: 654428). Based on the evidence outlined above, the variant was classified as VUS-possibly pathogenic.

Blueprint Genetics
Classification: Uncertain significance. Last evaluated: 2022-12-05. Review status: criteria provided, single submitter. Criteria: ACMG Guidelines, 2015. Collection method: clinical testing. Allele origin: germline.

Revvity Omics, Revvity
Classification: Uncertain significance. Last evaluated: 2021-10-13. Review status: criteria provided, single submitter. Criteria: ACMG Guidelines, 2015. Collection method: clinical testing. Allele origin: germline.

Literature cited by the submitters: PubMed 36286284 (cited by 3 submitters).